The following is an entry in ClinVar:

ClinVar aggregate classification (germline): Likely pathogenic. Review status: criteria provided, multiple submitters, no conflicts (2 of 4 stars). 4 submissions from 4 submitters: Likely pathogenic (4). Last evaluated 2025-07-25.

Conditions:
Gaucher disease. Also called: Acute cerebral Gaucher disease; Cerebroside lipidosis syndrome; Gaucher splenomegaly; Sphingolipidosis 1; Glucocerebrosidosis; Glucosylceramidase deficiency. Identifiers: Orphanet 355, MedGen C0017205, MONDO:0018150.
Gaucher disease type II (GD2). Also called: GAUCHER DISEASE, ACUTE NEURONOPATHIC TYPE; GD II; Type 2 Gaucher disease (Acute; Infantile); Acute neuronopathic Gaucher's disease. Identifiers: Orphanet 77260, MedGen C0268250, MONDO:0009266, OMIM 230900.

Allele frequency attached by ClinVar (database versions not stated): TOPMed 0.00001.
gnomAD v4.1: 8 of 1,614,006 alleles (0.0005%); highest among the groups gnomAD compares: Non-Finnish European, 0.00068%; no homozygotes.

Submissions (4):

Variantyx, Inc.
Classification: Likely pathogenic for Gaucher disease type II. Last evaluated: 2025-07-25. Review status: criteria provided, single submitter. Criteria: Variantyx Assertion Criteria 2022. Collection method: clinical testing. Allele origin: germline. Inheritance: Autosomal recessive inheritance. Affected: no.
Comment: This is a nonsynonymous variant in the GBA gene (OMIM: 606463). Pathogenic variants in this gene have been associated with autosomal recessive Gaucher disease type II. This variant has been identified in the homozygous or compound heterozygous state at least in two individuals reported in the published literature (PMID: 10649495), (PM3). Functional studies have shown that this variant alters GBA protein function (PMID: 16293621) (PS3_Moderate) and multiple computational algorithms predict a deleterious effect for this variant (REVEL score: 0.831) (PP3). This variant has a 0.0007% maximum allele frequency in non-founder control populations (PM2). Based on the current evidence, this variant is classified as likely pathogenic for autosomal recessive Gaucher disease type II.

Natera, Inc.
Classification: Likely pathogenic for Gaucher disease. Last evaluated: 2025-03-14. Review status: criteria provided, single submitter. Criteria: Natera Variant Classification Schema (03/2026). Collection method: clinical testing. Allele origin: germline.
Comment: The c.894C>A variant in GBA1 is a missense variant predicted to cause substitution of phenylalanine to leucine at amino acid 298. This variant is rare in the general population with a frequency below the threshold expected for the associated phenotype(s). This variant has been observed in one or more individuals affected with the associated recessive disease, as either homozygous or compound heterozygous with a second variant (PMID: 10649495). Functional studies show that this variant may disrupt protein function (PMID: 16293621). Computational prediction algorithms indicate this variant is likely to affect gene or protein function. Given the available evidence, this variant is classified as Likely Pathogenic.

GeneDx
Classification: Likely pathogenic. Last evaluated: 2023-12-13. Review status: criteria provided, single submitter. Criteria: GeneDx Variant Classification Process June 2021. Collection method: clinical testing. Allele origin: germline. Affected: yes.
Comment: Previously reported in an individual with Gaucher disease who harbored a second GBA variant ; however segregation data were not provided (PMID: 10649495); Published functional studies demonstrate a damaging effect on enzyme function (PMID: 16293621); Not observed at significant frequency in large population cohorts (gnomAD); In silico analysis supports that this missense variant has a deleterious effect on protein structure/function; This variant is associated with the following publications: (PMID: 16293621, 34308104, 30302829, 10649495)

Women's Health and Genetics/Laboratory Corporation of America, LabCorp
Classification: Likely pathogenic for Gaucher disease. Last evaluated: 2020-05-17. Review status: criteria provided, single submitter. Criteria: LabCorp Variant Classification Summary - May 2015. Collection method: clinical testing. Allele origin: germline.
Comment: Variant summary: GBA c.894C>A (p.Phe298Leu) results in a non-conservative amino acid change located in the Glycosyl hydrolase family 30, TIM-barrel domain (IPR033453) of the encoded protein sequence. Five of five in-silico tools predict a damaging effect of the variant on protein function. The variant was absent in 251196 control chromosomes (gnomAD). c.894C>A has been reported in the literature in individuals affected with type 2 Gaucher Disease (in compound heterozygous state; Stone_2000) and Parkinsons disease (in heterozygous state; Blauwendraat_2018). In an in vitro functional study, the variant was found to have reduced enzymatic activity (Liou_2006). No clinical diagnostic laboratories have submitted clinical-significance assessments for this variant to ClinVar after 2014. Based on the evidence outlined above, the variant was classified as likely pathogenic.

Literature cited by the submitters: PubMed 10649495 (cited by 3 submitters); PubMed 16293621 (cited by 3 submitters); PubMed 30302829 (cited by Women's Health and Genetics/Laboratory Corporation of America, LabCorp).

NM_000157.4(GBA1):c.894C>A (p.Phe298Leu)

Genes: GBA1 (glucosylceramidase beta 1; minus strand), LOC106627981 (GBA recombination region; plus strand). Cytogenetic location: 1q22.
Variant type: single nucleotide variant.
Coding change: c.894C>A on transcript NM_000157.4 (MANE Select); coding-DNA position 894, C replaced by A.
Protein change: p.Phe298Leu; replaces phenylalanine 298 with leucine.
Molecular consequence: missense variant.
Genome position (GRCh38, 1-based): chr1:155,237,446, G>T on the plus strand (C>A on the coding strand, the complement: GBA1 is on the minus strand). VCF-style: chr1-155237446-G-T. GRCh37 (hg19) VCF-style: chr1-155207237-G-T.
Other names: c.894C>A, p.Phe298Leu (NM_001005741.3, NM_001005742.3); c.633C>A, p.Phe211Leu (NM_001171811.2); c.747C>A, p.Phe249Leu (NM_001171812.2); c.894C>A (NM_000157.3); short protein forms F211L, F249L, F298L.
Identifiers: ClinVar variation 932200 (VCV000932200.7), dbSNP rs1671825414, ClinGen allele CA342719512.